The following is an entry in ClinVar:

NM_001370.2(DNAH6):c.4542G>A (p.Leu1514=)

Gene: DNAH6 (dynein axonemal heavy chain 6; plus strand). Cytogenetic location: 2p11.2.
Variant type: single nucleotide variant.
Coding change: c.4542G>A on transcript NM_001370.2 (MANE Select); coding-DNA position 4542, G replaced by A.
Protein change: p.Leu1514=; no amino-acid change (leucine 1514 retained).
Molecular consequence: synonymous variant.
Genome position (GRCh38, 1-based): chr2:84,634,530, G>A. VCF-style: chr2-84634530-G-A. GRCh37 (hg19) VCF-style: chr2-84861654-G-A.
Identifiers: ClinVar variation 3348791 (VCV003348791.1).

ClinVar aggregate classification (germline): Likely benign (0 of 4 stars; one submission).

Conditions:
DNAH6-related disorder. Also called: DNAH6-related condition.

gnomAD v4.1: 37 of 1,546,120 alleles (0.0024%); highest among the groups gnomAD compares: East Asian, 0.089%; no homozygotes.

Submission:

PreventionGenetics, part of Exact Sciences
Classification: Likely benign for DNAH6-related condition. Last evaluated: 2024-09-16. Review status: no assertion criteria provided. Collection method: clinical testing. Allele origin: germline.
Comment: This variant is classified as likely benign based on ACMG/AMP sequence variant interpretation guidelines (Richards et al. 2015 PMID: 25741868, with internal and published modifications).